The following is an entry in ClinVar:

ClinVar aggregate classification (germline): Benign/Likely benign. Review status: criteria provided, multiple submitters, no conflicts (2 of 4 stars). 9 submissions from 9 submitters: Benign (4); Likely benign (5). Last evaluated 2026-02-01.

Conditions:
Hereditary cancer-predisposing syndrome. Also called: Tumor predisposition; Hereditary neoplastic syndrome; Hereditary Cancer Syndrome; Neoplastic Syndromes, Hereditary. Identifiers: Orphanet 140162, MedGen C0027672, MeSH D009386, MONDO:0015356.
Tuberous sclerosis syndrome (TSC). Also called: Tuberous Sclerosis Complex; Tuberous sclerosis. Identifiers: Orphanet 805, MedGen C0041341, MONDO:0001734.
Tuberous sclerosis 2 (TSC2). Identifiers: Orphanet 805, MedGen C1860707, MONDO:0013199, OMIM 613254.

Allele frequency attached by ClinVar (database versions not stated): gnomAD exomes 0.00004 and 0.00008; ExAC 0.00005; gnomAD 0.00007; ESP Exome Variant Server 0.00008; TOPMed 0.00008.

Submissions (9):

Labcorp Genetics (formerly Invitae), Labcorp
Classification: Benign for Tuberous sclerosis 2. Last evaluated: 2026-02-01. Review status: criteria provided, single submitter. Criteria: Invitae Variant Classification Sherloc (09022015). Collection method: clinical testing. Allele origin: germline.

Myriad Genetics, Inc.
Classification: Benign for Tuberous sclerosis 2. Last evaluated: 2025-06-04. Review status: criteria provided, single submitter. Criteria: Myriad Autosomal Dominant, Autosomal Recessive and X-Linked Classification Criteria (2023). Collection method: clinical testing. Allele origin: unknown.
Comment: This variant is considered benign. This variant is a silent/synonymous amino acid change and it is not expected to impact splicing.

Quest Diagnostics Nichols Institute San Juan Capistrano
Classification: Benign. Last evaluated: 2025-03-07. Review status: criteria provided, single submitter. Criteria: Quest Diagnostics criteria. Collection method: clinical testing. Allele origin: unknown.

CeGaT Center for Human Genetics Tuebingen
Classification: Likely benign. Last evaluated: 2024-08-01. Review status: criteria provided, single submitter. Criteria: CeGaT Center For Human Genetics Tuebingen Variant Classification Criteria Version 2. Collection method: clinical testing. Allele origin: germline. Affected: yes. Observed: 2 variant alleles.
Comment: TSC2: BP4, BP7

Blueprint Genetics
Classification: Likely benign. Last evaluated: 2024-06-04. Review status: criteria provided, single submitter. Criteria: ACMG Guidelines, 2015. Collection method: clinical testing. Allele origin: germline.

Color Diagnostics, LLC DBA Color Health
Classification: Likely benign for Tuberous sclerosis syndrome. Last evaluated: 2022-10-09. Review status: criteria provided, single submitter. Criteria: ACMG Guidelines, 2015. Collection method: clinical testing. Allele origin: germline.

Genome-Nilou Lab
Classification: Benign for Tuberous sclerosis 2. Last evaluated: 2021-11-07. Review status: criteria provided, single submitter. Criteria: ACMG Guidelines, 2015. Collection method: clinical testing. Allele origin: germline. Affected: no.

Sema4
Classification: Likely benign for Hereditary cancer-predisposing syndrome. Last evaluated: 2021-04-11. Review status: criteria provided, single submitter. Criteria: Sema4 Curation Guidelines. Collection method: curation. Allele origin: germline.

Ambry Genetics
Classification: Likely benign for Hereditary cancer-predisposing syndrome. Last evaluated: 2016-01-26. Review status: criteria provided, single submitter. Criteria: Ambry Variant Classification Scheme 2023. Collection method: clinical testing. Allele origin: germline.

NM_000548.5(TSC2):c.4558C>T (p.Leu1520=)

Gene: TSC2 (TSC complex subunit 2; plus strand). Cytogenetic location: 16p13.3.
Variant type: single nucleotide variant.
Coding change: c.4558C>T on transcript NM_000548.5 (MANE Select); coding-DNA position 4558, C replaced by T.
Protein change: p.Leu1520=; no amino-acid change (leucine 1520 retained).
Molecular consequence: synonymous variant.
Genome position (GRCh38, 1-based): chr16:2,085,015, C>T. VCF-style: chr16-2085015-C-T. GRCh37 (hg19) VCF-style: chr16-2135016-C-T.
Other names: c.4357C>T, p.Leu1453= (NM_001077183.3); c.4489C>T, p.Leu1497= (NM_001114382.3); c.4249C>T, p.Leu1417= (NM_001318827.2); c.4213C>T, p.Leu1405= (NM_001318829.2); c.3826C>T, p.Leu1276= (NM_001318831.2); c.4390C>T, p.Leu1464= (NM_001318832.2); c.4360C>T, p.Leu1454= (NM_001363528.2); c.4426C>T, p.Leu1476= (NM_001370404.1); and 1 more.
Identifiers: ClinVar variation 413675 (VCV000413675.46), dbSNP rs374687688, ClinGen allele CA051590.
Genomic context (GRCh38, chr16:2,085,015, plus strand): 5'-GTGTTCCTGCAGCTCTACCATTCCCCCTTCTTTGGCGACGAGTCAAACAAGCCAATCCTG[C>T]TGCCCAATGAGGTAGGCGTGGCCTCCCTCTCCTGCATCCGCTGGAGCTGTGTGGCTCGGG-3'
Protein context (NP_000539.2, residues 1510-1530): FGDESNKPIL[Leu1520=]PNESQSFERS